The following is an entry in ClinVar:

NM_020207.7(ERCC6L2):c.4081G>C (p.Val1361Leu)

Gene: ERCC6L2 (ERCC excision repair 6 like 2; plus strand). Cytogenetic location: 9q22.32.
Variant type: single nucleotide variant.
Coding change: c.4081G>C on transcript NM_020207.7 (MANE Select); coding-DNA position 4081, G replaced by C.
Protein change: p.Val1361Leu; replaces valine 1361 with leucine.
Molecular consequence: missense variant. On other transcripts: non-coding transcript variant (1), intron variant (2).
Genome position (GRCh38, 1-based): chr9:96,012,631, G>C. VCF-style: chr9-96012631-G-C. GRCh37 (hg19) VCF-style: chr9-98774913-G-C.
Other names: c.3674+7930G>C (NM_001375291.1, NM_001375292.1); short protein forms V1361L.
Identifiers: ClinVar variation 1495334 (VCV001495334.6), dbSNP rs755357500, ClinGen allele CA5140046.
Genomic context (GRCh38, chr9:96,012,631, plus strand): 5'-AATCATATTTCCTATAGAGAAGAGGTGTTTTTTAATGATGCAGAAACTAAGAAATCACCT[G>C]TTAGTTCTACTCAAGAGATTGACAGTGGGAAAAACAGCCAGGCATCCGAAGATACTGTGA-3'
Protein context (NP_064592.3, residues 1351-1371): FNDAETKKSP[Val1361Leu]SSTQEIDSGK

ClinVar aggregate classification (germline): Uncertain significance (1 of 4 stars; one submission).

Allele frequency attached by ClinVar (database versions not stated): ExAC 0.00002; gnomAD exomes 0.00003; TOPMed 0.00002.
gnomAD v4.1: 11 of 1,367,602 alleles (0.0008%); highest among the groups gnomAD compares: Admixed American, 0.021%; no homozygotes.

Submission:

Labcorp Genetics (formerly Invitae), Labcorp
Classification: Uncertain significance. Last evaluated: 2025-01-06. Review status: criteria provided, single submitter. Criteria: Invitae Variant Classification Sherloc (09022015). Collection method: clinical testing. Allele origin: germline.
Comment: This sequence change replaces valine, which is neutral and non-polar, with leucine, which is neutral and non-polar, at codon 1372 of the ERCC6L2 protein (p.Val1372Leu). This variant is present in population databases (rs755357500, gnomAD 0.03%). This variant has not been reported in the literature in individuals affected with ERCC6L2-related conditions. ClinVar contains an entry for this variant (Variation ID: 1495334). Experimental studies and prediction algorithms are not available or were not evaluated, and the functional significance of this variant is currently unknown. In summary, the available evidence is currently insufficient to determine the role of this variant in disease. Therefore, it has been classified as a Variant of Uncertain Significance.